The following is an entry in ClinVar:

NM_000245.4(MET):c.2493T>G (p.Phe831Leu)

Gene: MET (MET proto-oncogene, receptor tyrosine kinase; plus strand). Cytogenetic location: 7q31.2.
Variant type: single nucleotide variant.
Coding change: c.2493T>G on transcript NM_000245.4 (MANE Select); coding-DNA position 2493, T replaced by G.
Protein change: p.Phe831Leu; replaces phenylalanine 831 with leucine.
Molecular consequence: missense variant.
Genome position (GRCh38, 1-based): chr7:116,763,178, T>G. VCF-style: chr7-116763178-T-G. GRCh37 (hg19) VCF-style: chr7-116403232-T-G.
Other names: c.2547T>G, p.Phe849Leu (NM_001127500.3); c.2493T>G, p.Phe831Leu (NM_001324401.3); c.1203T>G, p.Phe401Leu (NM_001324402.2); short protein forms F849L, F401L, F831L.
Identifiers: ClinVar variation 846674 (VCV000846674.12), dbSNP rs749730267, ClinGen allele CA4448494.

ClinVar aggregate classification (germline): Uncertain significance. Review status: criteria provided, multiple submitters, no conflicts (2 of 4 stars). 3 submissions from 3 submitters: Uncertain significance (3). Last evaluated 2026-01-13.

Conditions:
Renal cell carcinoma. Identifiers: Orphanet 217071, MedGen C0007134, MeSH D002292, MONDO:0005086, HP:0005584.
Hereditary cancer-predisposing syndrome. Also called: Tumor predisposition; Hereditary neoplastic syndrome; Neoplastic Syndromes, Hereditary; Hereditary Cancer Syndrome. Identifiers: Orphanet 140162, MedGen C0027672, MeSH D009386, MONDO:0015356.

Allele frequency attached by ClinVar (database versions not stated): gnomAD exomes below 0.00001 and 0.00001; ExAC 0.00001.
gnomAD v4.1: 2 of 1,614,096 alleles (0.00012%); highest among the groups gnomAD compares: Admixed American, 0.0017%; no homozygotes.

Submissions (3):

Labcorp Genetics (formerly Invitae), Labcorp
Classification: Uncertain significance for Renal cell carcinoma. Last evaluated: 2026-01-13. Review status: criteria provided, single submitter. Criteria: Invitae Variant Classification Sherloc (09022015). Collection method: clinical testing. Allele origin: germline.
Comment: This sequence change replaces phenylalanine, which is neutral and non-polar, with leucine, which is neutral and non-polar, at codon 849 of the MET protein (p.Phe849Leu). This variant is present in population databases (rs749730267, gnomAD 0.006%). This variant has not been reported in the literature in individuals affected with MET-related conditions. ClinVar contains an entry for this variant (Variation ID: 846674). An algorithm developed to predict the effect of missense changes on protein structure and function (PolyPhen-2) suggests that this variant is likely to be disruptive. In summary, the available evidence is currently insufficient to determine the role of this variant in disease. Therefore, it has been classified as a Variant of Uncertain Significance.

Ambry Genetics
Classification: Uncertain significance for Hereditary cancer-predisposing syndrome. Last evaluated: 2025-04-28. Review status: criteria provided, single submitter. Criteria: Ambry Variant Classification Scheme 2023. Collection method: clinical testing. Allele origin: germline.
Comment: The p.F849L variant (also known as c.2547T>G), located in coding exon 10 of the MET gene, results from a T to G substitution at nucleotide position 2547. The phenylalanine at codon 849 is replaced by leucine, an amino acid with highly similar properties. This amino acid position is highly conserved in available vertebrate species. In addition, the in silico prediction for this alteration is inconclusive. Based on the available evidence, the clinical significance of this alteration remains unclear.

GeneDx
Classification: Uncertain significance. Last evaluated: 2024-11-14. Review status: criteria provided, single submitter. Criteria: GeneDx Variant Classification Process June 2021. Collection method: clinical testing. Allele origin: germline. Affected: yes.
Comment: Not observed at significant frequency in large population cohorts (gnomAD); In silico analysis indicates that this missense variant does not alter protein structure/function; Has not been previously published as pathogenic or benign to our knowledge